The following is an entry in ClinVar:

ClinVar aggregate classification (germline): Pathogenic. Review status: criteria provided, multiple submitters, no conflicts (2 of 4 stars). 2 submissions from 2 submitters: Pathogenic (2). Last evaluated 2015-11-20.

Conditions:
Hereditary cancer-predisposing syndrome. Also called: Neoplastic Syndromes, Hereditary; Tumor predisposition; Hereditary Cancer Syndrome; Hereditary neoplastic syndrome. Identifiers: Orphanet 140162, MedGen C0027672, MeSH D009386, MONDO:0015356.
Lynch syndrome. Identifiers: Orphanet 144, MedGen C4552100, MONDO:0005835. Disease mechanism: loss of function.

Submissions (2):

University of Washington Department of Laboratory Medicine, University of Washington
Classification: Pathogenic for Hereditary nonpolyposis colon cancer. Last evaluated: 2015-11-20. Review status: criteria provided, single submitter. Criteria: Shirts et al. (Genet Med 2016). Collection method: clinical testing. Allele origin: germline. Affected: yes. Observed: 1 variant allele.

Ambry Genetics
Classification: Pathogenic for Hereditary cancer-predisposing syndrome. Last evaluated: 2015-09-15. Review status: criteria provided, single submitter. Criteria: Ambry Autosomal Dominant and X-Linked criteria (10/2015). Collection method: clinical testing. Allele origin: germline. Observed: 1 variant allele.
Comment: Lines of evidence used in support of classification: Other acmg-defined mutation (i.e. initiation codon or gross deletion)

Literature cited by the submitters: PubMed 18178629 (cited by Ambry Genetics).

NM_000535.6(PMS2):c.736_741delCCCCCTins11 (p.?)

Gene: PMS2 (PMS1 homolog 2, mismatch repair system component; minus strand). Cytogenetic location: 7p22.1.
Variant type: Indel.
Coding change: c.736_741delCCCCCTins11 on transcript NM_000535.6; coding-DNA positions 736 to 741, 6 bases deleted.
Protein change: p.?.
Identifiers: ClinVar variation 141845 (VCV000141845.4).